The following is an entry in ClinVar:

NM_000142.5(FGFR3):c.1411C>G (p.Arg471Gly)

Gene: FGFR3 (fibroblast growth factor receptor 3; plus strand). Cytogenetic location: 4p16.3.
Variant type: single nucleotide variant.
Coding change: c.1411C>G on transcript NM_000142.5 (MANE Select); coding-DNA position 1411, C replaced by G.
Protein change: p.Arg471Gly; replaces arginine 471 with glycine.
Molecular consequence: missense variant. On other transcripts: non-coding transcript variant (1).
Genome position (GRCh38, 1-based): chr4:1,804,968, C>G. VCF-style: chr4-1804968-C-G. GRCh37 (hg19) VCF-style: chr4-1806695-C-G.
Other names: c.1417C>G, p.Arg473Gly (NM_001163213.2); c.1414C>G, p.Arg472Gly (NM_001354809.2, NM_001354810.2); c.1075C>G, p.Arg359Gly (NM_022965.4); short protein forms R359G, R473G, R471G, R472G.
Identifiers: ClinVar variation 2164654 (VCV002164654.5), dbSNP rs533045918, ClinGen allele CA91255748.

ClinVar aggregate classification (germline): Uncertain significance. Review status: criteria provided, multiple submitters, no conflicts (2 of 4 stars). 2 submissions from 2 submitters: Uncertain significance (2). Last evaluated 2023-08-02.

gnomAD v4.1: 13 of 1,548,298 alleles (0.00084%); highest among the groups gnomAD compares: Non-Finnish European, 0.0011%; no homozygotes.

Submissions (2):

Blueprint Genetics
Classification: Uncertain significance. Last evaluated: 2023-08-02. Review status: criteria provided, single submitter. Criteria: ACMG Guidelines, 2015. Collection method: clinical testing. Allele origin: germline.

Labcorp Genetics (formerly Invitae), Labcorp
Classification: Uncertain significance. Last evaluated: 2022-07-28. Review status: criteria provided, single submitter. Criteria: Invitae Variant Classification Sherloc (09022015). Collection method: clinical testing. Allele origin: germline.
Comment: This sequence change replaces arginine, which is basic and polar, with glycine, which is neutral and non-polar, at codon 471 of the FGFR3 protein (p.Arg471Gly). This variant is not present in population databases (gnomAD no frequency). This variant has not been reported in the literature in individuals affected with FGFR3-related conditions. Algorithms developed to predict the effect of missense changes on protein structure and function are either unavailable or do not agree on the potential impact of this missense change (SIFT: "Deleterious"; PolyPhen-2: "Possibly Damaging"; Align-GVGD: "Class C15"). In summary, the available evidence is currently insufficient to determine the role of this variant in disease. Therefore, it has been classified as a Variant of Uncertain Significance.